The following is an entry in ClinVar:

ClinVar aggregate classification (germline): Conflicting classifications of pathogenicity. Review status: criteria provided, conflicting classifications (1 of 4 stars). 7 submissions from 7 submitters: Uncertain significance (3); Likely benign (2). 2 of the submissions do not count toward it. Last evaluated 2025-10-28.

Conditions:
TTN-related disorder. Also called: TTN-related disorders; TTN-related condition; TTN-related disease.

Allele frequency attached by ClinVar (database versions not stated): gnomAD exomes 0.00003 and 0.00007; TOPMed 0.00003; gnomAD 0.00007; ExAC 0.00008.
gnomAD v4.1: 57 of 1,613,314 alleles (0.0035%); highest among the groups gnomAD compares: Middle Eastern, 0.017%; no homozygotes.

Submissions (7):

PreventionGenetics, part of Exact Sciences
Classification: Uncertain significance for TTN-related condition. Last evaluated: 2025-10-28. Review status: criteria provided, single submitter. Criteria: ACMG Guidelines, 2015. Collection method: clinical testing. Allele origin: germline.
Comment: The TTN c.71452A>G variant is predicted to result in the amino acid substitution p.Ile23818Val. To our knowledge, this variant has not been reported in the literature. This variant is reported in 0.015% of alleles in individuals of European (Non-Finnish) descent in gnomAD. At this time, the clinical significance of this variant is uncertain due to the absence of conclusive functional and genetic evidence.

Women's Health and Genetics/Laboratory Corporation of America, LabCorp
Classification: Uncertain significance. Last evaluated: 2024-10-04. Review status: criteria provided, single submitter. Criteria: LabCorp Variant Classification Summary - May 2015. Collection method: clinical testing. Allele origin: germline.
Comment: Variant summary: TTN c.63748A>G (p.Ile21250Val) results in a conservative amino acid change located in the A-band region of the encoded protein sequence. Four of four in-silico tools predict a benign effect of the variant on protein function. The variant allele was found at a frequency of 6.9e-05 in 248152 control chromosomes. This frequency is not significantly higher than estimated for a pathogenic variant in TTN causing Limb-Girdle Muscular Dystrophy, Type 2J, allowing no conclusion about variant significance. To our knowledge, no occurrence of c.63748A>G in individuals affected with Limb-Girdle Muscular Dystrophy, Type 2J and no experimental evidence demonstrating its impact on protein function have been reported. ClinVar contains an entry for this variant (Variation ID: 808950). Based on the evidence outlined above, the variant was classified as uncertain significance.

Blueprint Genetics
Classification: Likely benign. Last evaluated: 2023-08-02. Review status: criteria provided, single submitter. Criteria: ACMG Guidelines, 2015. Collection method: clinical testing. Allele origin: germline.

CeGaT Center for Human Genetics Tuebingen
Classification: Likely benign. Last evaluated: 2023-05-01. Review status: criteria provided, single submitter. Criteria: CeGaT Center For Human Genetics Tuebingen Variant Classification Criteria Version 2. Collection method: clinical testing. Allele origin: germline. Affected: yes. Observed: 1 variant allele.
Comment: TTN: BP4

Revvity Omics, Revvity
Classification: Uncertain significance. Last evaluated: 2019-06-06. Review status: criteria provided, single submitter. Criteria: ACMG Guidelines, 2015. Collection method: clinical testing. Allele origin: germline.

Genome Diagnostics Laboratory, University Medical Center Utrecht
Classification: Likely benign. Review status: no assertion criteria provided. Collection method: clinical testing. Allele origin: germline. Affected: yes. Study: VKGL Data-share Consensus. Not counted in ClinVar's aggregate classification.

Laboratory of Diagnostic Genome Analysis, Leiden University Medical Center (LUMC)
Classification: Likely benign. Review status: no assertion criteria provided. Collection method: clinical testing. Allele origin: germline. Affected: yes. Study: VKGL Data-share Consensus. Not counted in ClinVar's aggregate classification.

NM_001267550.2(TTN):c.71452A>G (p.Ile23818Val)

Genes: TTN-AS1 (TTN antisense RNA 1; plus strand), TTN (titin; minus strand). Cytogenetic location: 2q31.2.
Variant type: single nucleotide variant.
Coding change: c.71452A>G on transcript NM_001267550.2 (MANE Select); coding-DNA position 71452, A replaced by G.
Protein change: p.Ile23818Val; replaces isoleucine 23818 with valine.
Molecular consequence: missense variant.
Genome position (GRCh38, 1-based): chr2:178,574,680, T>C on the plus strand (A>G on the coding strand, the complement: TTN is on the minus strand). VCF-style: chr2-178574680-T-C. GRCh37 (hg19) VCF-style: chr2-179439407-T-C.
Other names: c.66529A>G, p.Ile22177Val (NM_001256850.1); c.44257A>G, p.Ile14753Val (NM_003319.4); c.63748A>G, p.Ile21250Val (NM_133378.4); c.44632A>G, p.Ile14878Val (NM_133432.3); c.44833A>G, p.Ile14945Val (NM_133437.4); short protein forms I21250V, I14945V, I22177V, I23818V, I14753V, I14878V.
Identifiers: ClinVar variation 808950 (VCV000808950.47), dbSNP rs776911847, ClinGen allele CA1990628.
Genomic context (GRCh38, chr2:178,574,680, plus strand): 5'-CTGCAGTTACCTGAGGGGTACCAGGAGGTCCAGGAACCTTAAATGGATAGTTGGCAACTA[T>C]GCATGCTGATGTGATGCCTGGTCCAACTCCATATCTATTCTGAGCTTTTACACGGAACTG-3'
Protein context (NP_001254479.2, residues 23808-23828): GVGPGITSAC[Ile23818Val]VANYPFKVPG